The following is an entry in ClinVar:

NM_014915.3(ANKRD26):c.1939G>T (p.Val647Leu)

Gene: ANKRD26 (ankyrin repeat domain 26; minus strand). Cytogenetic location: 10p12.1.
Variant type: single nucleotide variant.
Coding change: c.1939G>T on transcript NM_014915.3 (MANE Select); coding-DNA position 1939, G replaced by T.
Protein change: p.Val647Leu; replaces valine 647 with leucine.
Molecular consequence: missense variant.
Genome position (GRCh38, 1-based): chr10:27,046,399, C>A on the plus strand (G>T on the coding strand, the complement: ANKRD26 is on the minus strand). VCF-style: chr10-27046399-C-A. GRCh37 (hg19) VCF-style: chr10-27335328-C-A.
Other names: c.1936G>T, p.Val646Leu (NM_001256053.2); short protein forms V647L, V646L.
Identifiers: ClinVar variation 2831088 (VCV002831088.3), dbSNP rs770959569, ClinGen allele CA376353079.

ClinVar aggregate classification (germline): Uncertain significance (1 of 4 stars; one submission).

Submission:

Labcorp Genetics (formerly Invitae), Labcorp
Classification: Uncertain significance. Last evaluated: 2023-02-13. Review status: criteria provided, single submitter. Criteria: Invitae Variant Classification Sherloc (09022015). Collection method: clinical testing. Allele origin: germline.
Comment: In summary, the available evidence is currently insufficient to determine the role of this variant in disease. Therefore, it has been classified as a Variant of Uncertain Significance. Algorithms developed to predict the effect of missense changes on protein structure and function output the following: SIFT: "Tolerated"; PolyPhen-2: "Benign"; Align-GVGD: "Class C0". The leucine amino acid residue is found in multiple mammalian species, which suggests that this missense change does not adversely affect protein function. This variant has not been reported in the literature in individuals affected with ANKRD26-related conditions. This variant is not present in population databases (gnomAD no frequency). This sequence change replaces valine, which is neutral and non-polar, with leucine, which is neutral and non-polar, at codon 647 of the ANKRD26 protein (p.Val647Leu).